The following is an entry in ClinVar:

NM_000465.4(BARD1):c.1811-8T>C

Gene: BARD1 (BRCA1 associated RING domain 1; minus strand). Cytogenetic location: 2q35.
Variant type: single nucleotide variant.
Coding change: c.1811-8T>C on transcript NM_000465.4 (MANE Select); 8 bases into the intron before coding-DNA position 1811, T replaced by C.
Molecular consequence: intron variant.
Genome position (GRCh38, 1-based): chr2:214,745,167, A>G on the plus strand (T>C on the coding strand, the complement: BARD1 is on the minus strand). VCF-style: chr2-214745167-A-G. GRCh37 (hg19) VCF-style: chr2-215609891-A-G.
Other names: c.401-8T>C (NM_001282548.2); c.1754-8T>C (NM_001282543.2); c.458-8T>C (NM_001282545.2); c.365-14659T>C (NM_001282549.2).
Identifiers: ClinVar variation 3378704 (VCV003378704.1).

ClinVar aggregate classification (germline): Likely benign (1 of 4 stars; one submission).

Conditions:
Familial cancer of breast. Also called: hereditary breast carcinoma; Hereditary breast cancer; BREAST CANCER, FAMILIAL. Identifiers: Orphanet 227535, MedGen C0346153, MONDO:0016419, OMIM 114480. Disease mechanism: loss of function.

Submission:

Myriad Genetics, Inc.
Classification: Likely benign for Familial cancer of breast. Last evaluated: 2024-07-26. Review status: criteria provided, single submitter. Criteria: Myriad Autosomal Dominant, Autosomal Recessive and X-Linked Classification Criteria (2023). Collection method: clinical testing. Allele origin: unknown.
Comment: This variant is considered likely benign. This variant is intronic and is not expected to impact mRNA splicing.